The following is an entry in ClinVar:

NM_000057.4(BLM):c.1045_1050del (p.Ser349_Met350del)

Gene: BLM (BLM RecQ like helicase; plus strand). Cytogenetic location: 15q26.1.
Variant type: Deletion.
Coding change: c.1045_1050del on transcript NM_000057.4 (MANE Select); coding-DNA positions 1045 to 1050, 6 bases deleted (AGTATG; older notation c.1045_1050delAGTATG).
Protein change: p.Ser349_Met350del.
Molecular consequence: inframe deletion. On other transcripts: 5 prime UTR variant (1).
Genome position (GRCh38, 1-based): chr15:90,754,896-90,754,901, AGTATG deleted; deleting any 6 consecutive bases within chr15:90,754,893-90,754,901 gives the same sequence; the c. name uses the placement nearest the transcript's 3' end. VCF-style (leftmost placement, unchanged base first): chr15-90754892-AATGAGT-A. GRCh37 (hg19) VCF-style: chr15-91298122-AATGAGT-A.
Other names: c.1045_1050del, p.Ser349_Met350del (NM_001287246.2, NM_001287247.2); c.-247_-242del (NM_001287248.2).
Identifiers: ClinVar variation 2960234 (VCV002960234.2), dbSNP rs2505407179, ClinGen allele CA2740096770.
Genomic context (GRCh38, chr15:90,754,892, plus strand): 5'-CTCTGACAGAAAAGAGGATGTTCTTAGCACATCAAAAGATCTTTTGTCAAAACCTGAGAA[AATGAGT>A]ATGCAGGAGCTGAATCCAGAAACCAGCACAGACTGTGACGGTACAAGCAATATTTTAGAC-3'

ClinVar aggregate classification (germline): Uncertain significance (1 of 4 stars; one submission).

Conditions:
Bloom syndrome (BLM). Also called: Bloom-Torre-Machacek syndrome. Identifiers: Orphanet 125, MedGen C0005859, MONDO:0008876, OMIM 210900.

Submission:

Labcorp Genetics (formerly Invitae), Labcorp
Classification: Uncertain significance for Bloom syndrome. Last evaluated: 2024-08-05. Review status: criteria provided, single submitter. Criteria: Invitae Variant Classification Sherloc (09022015). Collection method: clinical testing. Allele origin: germline.
Comment: This variant, c.1045_1050del, results in the deletion of 2 amino acid(s) of the BLM protein (p.Ser349_Met350del), but otherwise preserves the integrity of the reading frame. This variant is not present in population databases (gnomAD no frequency). This variant has not been reported in the literature in individuals affected with BLM-related conditions. Experimental studies and prediction algorithms are not available or were not evaluated, and the functional significance of this variant is currently unknown. In summary, the available evidence is currently insufficient to determine the role of this variant in disease. Therefore, it has been classified as a Variant of Uncertain Significance.